The following is an entry in ClinVar:

ClinVar aggregate classification (germline): Conflicting classifications of pathogenicity. Review status: criteria provided, conflicting classifications (1 of 4 stars). 4 submissions from 4 submitters: Uncertain significance (1); Likely benign (2). 1 of the submissions does not count toward it. Last evaluated 2024-02-27.

Conditions:
SI-related disorder. Also called: SI-related condition.
Inborn genetic diseases. Identifiers: MedGen C0950123, MeSH D030342.

Allele frequency attached by ClinVar (database versions not stated): ESP Exome Variant Server 0.00046; TOPMed 0.00048.
gnomAD v4.1: 883 of 1,363,332 alleles (0.065%); highest among the groups gnomAD compares: Non-Finnish European, 0.08%; 2 homozygotes.

Submissions (4):

Ambry Genetics
Classification: Likely benign for Inborn genetic diseases. Last evaluated: 2024-02-27. Review status: criteria provided, single submitter. Criteria: Ambry Variant Classification Scheme 2023. Collection method: clinical testing. Allele origin: germline.

Blueprint Genetics
Classification: Likely benign. Last evaluated: 2023-12-28. Review status: criteria provided, single submitter. Criteria: ACMG Guidelines, 2015. Collection method: clinical testing. Allele origin: germline.

Labcorp Genetics (formerly Invitae), Labcorp
Classification: Uncertain significance. Last evaluated: 2022-10-25. Review status: criteria provided, single submitter. Criteria: Invitae Variant Classification Sherloc (09022015). Collection method: clinical testing. Allele origin: germline.
Comment: This sequence change affects codon 212 of the SI mRNA. It is a 'silent' change, meaning that it does not change the encoded amino acid sequence of the SI protein. It affects a nucleotide within the consensus splice site. This variant is present in population databases (rs145891116, gnomAD 0.05%). This variant has not been reported in the literature in individuals affected with SI-related conditions. ClinVar contains an entry for this variant (Variation ID: 1429460). Algorithms developed to predict the effect of sequence changes on RNA splicing suggest that this variant is not likely to affect RNA splicing. In summary, the available evidence is currently insufficient to determine the role of this variant in disease. Therefore, it has been classified as a Variant of Uncertain Significance.

PreventionGenetics, part of Exact Sciences
Classification: Likely benign for SI-related condition. Last evaluated: 2019-06-26. Review status: no assertion criteria provided. Collection method: clinical testing. Allele origin: germline. Not counted in ClinVar's aggregate classification.
Comment: This variant is classified as likely benign based on ACMG/AMP sequence variant interpretation guidelines (Richards et al. 2015 PMID: 25741868, with internal and published modifications).

NM_001041.4(SI):c.636G>A (p.Leu212=)

Gene: SI (sucrase-isomaltase; minus strand). Cytogenetic location: 3q26.1.
Variant type: single nucleotide variant.
Coding change: c.636G>A on transcript NM_001041.4 (MANE Select); coding-DNA position 636, G replaced by A.
Protein change: p.Leu212=; no amino-acid change (leucine 212 retained).
Molecular consequence: synonymous variant.
Genome position (GRCh38, 1-based): chr3:165,065,432, C>T on the plus strand (G>A on the coding strand, the complement: SI is on the minus strand). VCF-style: chr3-165065432-C-T. GRCh37 (hg19) VCF-style: chr3-164783220-C-T.
Other names: c.636G>A (NM_001041.3).
Identifiers: ClinVar variation 1429460 (VCV001429460.7), dbSNP rs145891116, ClinGen allele CA2691374.